The following is an entry in ClinVar:

ClinVar aggregate classification (germline): Uncertain significance (1 of 4 stars; one submission).

Submission:

Ambry Genetics
Classification: Uncertain significance. Last evaluated: 2026-02-19. Review status: criteria provided, single submitter. Criteria: Ambry Variant Classification Scheme 2023. Collection method: clinical testing. Allele origin: germline.
Comment: The p.L192P variant (also known as c.575T>C), located in coding exon 4 of the ATRIP gene, results from a T to C substitution at nucleotide position 575. The leucine at codon 192 is replaced by proline, an amino acid with similar properties. This amino acid position is conserved. In addition, this alteration is predicted to be deleterious by in silico analysis. Based on the available evidence, the clinical significance of this variant remains unclear.

NM_130384.3(ATRIP):c.575T>C (p.Leu192Pro)

Genes: ATRIP (ATR interacting protein; plus strand), ATRIP-TREX1 (ATRIP-TREX1 readthrough; plus strand). Cytogenetic location: 3p21.31.
Variant type: single nucleotide variant.
Coding change: c.575T>C on transcript NM_130384.3 (MANE Select); coding-DNA position 575, T replaced by C.
Protein change: p.Leu192Pro; replaces leucine 192 with proline.
Molecular consequence: missense variant. On other transcripts: non-coding transcript variant (1).
Genome position (GRCh38, 1-based): chr3:48,454,322, T>C. VCF-style: chr3-48454322-T-C. GRCh37 (hg19) VCF-style: chr3-48495722-T-C.
Other names: c.194T>C, p.Leu65Pro (NM_001271022.2); c.296T>C, p.Leu99Pro (NM_001271023.2); c.575T>C, p.Leu192Pro (NM_032166.4); short protein forms L65P, L99P, L192P.
Identifiers: ClinVar variation 4844950 (VCV004844950.1).
Genomic context (GRCh38, chr3:48,454,322, plus strand): 5'-GATGGGACCACTACAAGCATGTTTCTTTTGCCTTCCAGCTCCAATCATTGCAGTCTGAAC[T>C]CCAGTTTAAAGATGCAGAGATGAATGAATTAAGGACAAAGCTCCAGACCAGTGAACGAGC-3'
Protein context (NP_569055.1, residues 182-202): SKKLQSLQSE[Leu192Pro]QFKDAEMNEL